The following is an entry in ClinVar:

ClinVar aggregate classification (germline): Uncertain significance (1 of 4 stars; one submission).

Allele frequency attached by ClinVar (database versions not stated): gnomAD exomes below 0.00001.
gnomAD v4.1: 1 of 1,613,490 alleles (0.000062%); highest among the groups gnomAD compares: Non-Finnish European, 0.000085%; no homozygotes.

Submission:

Labcorp Genetics (formerly Invitae), Labcorp
Classification: Uncertain significance. Last evaluated: 2022-08-31. Review status: criteria provided, single submitter. Criteria: Invitae Variant Classification Sherloc (09022015). Collection method: clinical testing. Allele origin: germline.
Comment: In summary, the available evidence is currently insufficient to determine the role of this variant in disease. Therefore, it has been classified as a Variant of Uncertain Significance. Algorithms developed to predict the effect of missense changes on protein structure and function are either unavailable or do not agree on the potential impact of this missense change (SIFT: "Tolerated"; PolyPhen-2: "Possibly Damaging"; Align-GVGD: "Class C0"). ClinVar contains an entry for this variant (Variation ID: 1398347). This variant has not been reported in the literature in individuals affected with IL12RB2-related conditions. This variant is not present in population databases (gnomAD no frequency). This sequence change replaces asparagine, which is neutral and polar, with isoleucine, which is neutral and non-polar, at codon 129 of the IL12RB2 protein (p.Asn129Ile).

NM_001374259.2(IL12RB2):c.386A>T (p.Asn129Ile)

Gene: IL12RB2 (interleukin 12 receptor subunit beta 2; plus strand). Cytogenetic location: 1p31.3.
Variant type: single nucleotide variant.
Coding change: c.386A>T on transcript NM_001374259.2 (MANE Select); coding-DNA position 386, A replaced by T.
Protein change: p.Asn129Ile; replaces asparagine 129 with isoleucine.
Molecular consequence: missense variant. On other transcripts: non-coding transcript variant (2).
Genome position (GRCh38, 1-based): chr1:67,326,756, A>T. VCF-style: chr1-67326756-A-T. GRCh37 (hg19) VCF-style: chr1-67792439-A-T.
Other names: c.386A>T, p.Asn129Ile (NM_001258214.1, NM_001258215.1, NM_001258216.1 and 2 more transcripts); short protein forms N129I.
Identifiers: ClinVar variation 1398347 (VCV001398347.8), dbSNP rs2100645775, ClinGen allele CA340731761.